The following is an entry in ClinVar:

NM_018139.3(DNAAF2):c.58G>C (p.Val20Leu)

Gene: DNAAF2 (dynein axonemal assembly factor 2; minus strand). Cytogenetic location: 14q21.3.
Variant type: single nucleotide variant.
Coding change: c.58G>C on transcript NM_018139.3 (MANE Select); coding-DNA position 58, G replaced by C.
Protein change: p.Val20Leu; replaces valine 20 with leucine.
Molecular consequence: missense variant.
Genome position (GRCh38, 1-based): chr14:49,635,092, C>G on the plus strand (G>C on the coding strand, the complement: DNAAF2 is on the minus strand). VCF-style: chr14-49635092-C-G. GRCh37 (hg19) VCF-style: chr14-50101810-C-G.
Other names: c.58G>C, p.Val20Leu (NM_001083908.2); short protein forms V20L.
Identifiers: ClinVar variation 261021 (VCV000261021.12), dbSNP rs572322476, ClinGen allele CA7173165.

ClinVar aggregate classification (germline): Conflicting classifications of pathogenicity. Review status: criteria provided, conflicting classifications (1 of 4 stars). 4 submissions from 4 submitters: Uncertain significance (3); Likely benign (1). Last evaluated 2024-12-09.

Conditions:
Primary ciliary dyskinesia. Also called: Ciliary dyskinesia. Identifiers: Orphanet 244, MedGen C0008780, MONDO:0016575, HP:0012265.

Allele frequency attached by ClinVar (database versions not stated): gnomAD exomes 0.00002 and 0.00004; ExAC 0.00004; 1000 Genomes Project 30x 0.00031; 1000 Genomes Project 0.00040; gnomAD 0.00040 and 0.00045; TOPMed 0.00097.
gnomAD v4.1: 116 of 1,581,924 alleles (0.0073%); highest among the groups gnomAD compares: Admixed American, 0.14%; no homozygotes.

Submissions (4):

Ambry Genetics
Classification: Uncertain significance for Primary ciliary dyskinesia. Last evaluated: 2024-12-09. Review status: criteria provided, single submitter. Criteria: Ambry Variant Classification Scheme 2023. Collection method: clinical testing. Allele origin: germline.

Labcorp Genetics (formerly Invitae), Labcorp
Classification: Uncertain significance for Primary ciliary dyskinesia. Last evaluated: 2022-11-01. Review status: criteria provided, single submitter. Criteria: Invitae Variant Classification Sherloc (09022015). Collection method: clinical testing. Allele origin: germline.
Comment: This sequence change replaces valine, which is neutral and non-polar, with leucine, which is neutral and non-polar, at codon 20 of the DNAAF2 protein (p.Val20Leu). This variant is present in population databases (rs572322476, gnomAD 0.01%). This variant has not been reported in the literature in individuals affected with DNAAF2-related conditions. ClinVar contains an entry for this variant (Variation ID: 261021). Advanced modeling of protein sequence and biophysical properties (such as structural, functional, and spatial information, amino acid conservation, physicochemical variation, residue mobility, and thermodynamic stability) performed at Invitae indicates that this missense variant is not expected to disrupt DNAAF2 protein function. In summary, the available evidence is currently insufficient to determine the role of this variant in disease. Therefore, it has been classified as a Variant of Uncertain Significance.

Blueprint Genetics
Classification: Uncertain significance. Last evaluated: 2022-04-26. Review status: criteria provided, single submitter. Criteria: ACMG Guidelines, 2015. Collection method: clinical testing. Allele origin: germline.

PreventionGenetics, part of Exact Sciences
Classification: Likely benign. Review status: criteria provided, single submitter. Criteria: ACMG Guidelines, 2015. Collection method: clinical testing. Allele origin: germline.